The following is an entry in ClinVar:

NM_005432.4(XRCC3):c.478C>T (p.Arg160Trp)

Gene: XRCC3 (X-ray repair cross complementing 3; minus strand). Cytogenetic location: 14q32.33.
Variant type: single nucleotide variant.
Coding change: c.478C>T on transcript NM_005432.4 (MANE Select); coding-DNA position 478, C replaced by T.
Protein change: p.Arg160Trp; replaces arginine 160 with tryptophan.
Molecular consequence: missense variant.
Genome position (GRCh38, 1-based): chr14:103,703,256, G>A on the plus strand (C>T on the coding strand, the complement: XRCC3 is on the minus strand). VCF-style: chr14-103703256-G-A. GRCh37 (hg19) VCF-style: chr14-104169593-G-A.
Other names: c.478C>T, p.Arg160Trp (NM_001100118.2, NM_001100119.2, NM_001371229.1 and 2 more transcripts); short protein forms R160W.
Identifiers: ClinVar variation 3041952 (VCV003041952.2), dbSNP rs56347206, ClinGen allele CA7366532.

ClinVar aggregate classification (germline): Benign (0 of 4 stars; one submission).

Conditions:
XRCC3-related disorder. Also called: XRCC3-related condition.

Allele frequency attached by ClinVar (database versions not stated): gnomAD exomes 0.00033; ExAC 0.00192; ESP Exome Variant Server 0.00309; 1000 Genomes Project 0.00319; 1000 Genomes Project 30x 0.00375.

Submission:

PreventionGenetics, part of Exact Sciences
Classification: Benign for XRCC3-related condition. Last evaluated: 2020-01-02. Review status: no assertion criteria provided. Collection method: clinical testing. Allele origin: germline.
Comment: This variant is classified as benign based on ACMG/AMP sequence variant interpretation guidelines (Richards et al. 2015 PMID: 25741868, with internal and published modifications).